The following is an entry in ClinVar:

ClinVar aggregate classification (germline): Likely benign (0 of 4 stars; one submission).

Conditions:
HIVEP3-related disorder. Also called: HIVEP3-related condition.

Allele frequency attached by ClinVar (database versions not stated): ESP Exome Variant Server 0.00008; gnomAD 0.00095; TOPMed 0.00178; 1000 Genomes Project 30x 0.00265; ExAC 0.00272; 1000 Genomes Project 0.00280.
gnomAD v4.1: 1,072 of 1,612,820 alleles (0.066%); highest among the groups gnomAD compares: Admixed American, 1.1%; 11 homozygotes.

Submission:

PreventionGenetics, part of Exact Sciences
Classification: Likely benign for HIVEP3-related condition. Last evaluated: 2019-04-23. Review status: no assertion criteria provided. Collection method: clinical testing. Allele origin: germline.
Comment: This variant is classified as likely benign based on ACMG/AMP sequence variant interpretation guidelines (Richards et al. 2015 PMID: 25741868, with internal and published modifications).

NM_024503.5(HIVEP3):c.6846C>T (p.Gly2282=)

Gene: HIVEP3 (HIVEP zinc finger 3; minus strand). Cytogenetic location: 1p34.2.
Variant type: single nucleotide variant.
Coding change: c.6846C>T on transcript NM_024503.5 (MANE Select); coding-DNA position 6846, C replaced by T.
Protein change: p.Gly2282=; no amino-acid change (glycine 2282 retained).
Molecular consequence: synonymous variant.
Genome position (GRCh38, 1-based): chr1:41,510,826, G>A on the plus strand (C>T on the coding strand, the complement: HIVEP3 is on the minus strand). VCF-style: chr1-41510826-G-A. GRCh37 (hg19) VCF-style: chr1-41976497-G-A.
Other names: c.6843C>T, p.Gly2281= (NM_001127714.3).
Identifiers: ClinVar variation 3053174 (VCV003053174.2), dbSNP rs142695572, ClinGen allele CA797086.